The following is an entry in ClinVar:

ClinVar aggregate classification (germline): Uncertain significance. Review status: criteria provided, multiple submitters, no conflicts (2 of 4 stars). 4 submissions from 4 submitters: Uncertain significance (4). Last evaluated 2023-05-11.

Conditions:
Autosomal recessive ataxia, Beauce type. Also called: Spinocerebellar ataxia, autosomal recessive 8; ATAXIA, RECESSIVE, OF BEAUCE; SYNE1 Deficiency; SYNE1-Related Autosomal Recessive Cerebellar Ataxia. Identifiers: Orphanet 88644, MedGen C1853116, MONDO:0012549, OMIM 610743.
Emery-Dreifuss muscular dystrophy 4, autosomal dominant (EDMD4). Also called: EMERY-DREIFUSS MUSCULAR DYSTROPHY 4 WITH VARIABLE FEATURES. Identifiers: Orphanet 261, MedGen C2751807, MONDO:0013071, OMIM 612998.

Allele frequency attached by ClinVar (database versions not stated): TOPMed 0.00002; ExAC 0.00003; gnomAD 0.00005; gnomAD exomes 0.00005 and 0.00008; ESP Exome Variant Server 0.00008.
gnomAD v4.1: 116 of 1,613,824 alleles (0.0072%); highest among the groups gnomAD compares: Middle Eastern, 0.016%; no homozygotes.

Submissions (4):

Revvity Omics, Revvity
Classification: Uncertain significance. Last evaluated: 2023-05-11. Review status: criteria provided, single submitter. Criteria: ACMG Guidelines, 2015. Collection method: clinical testing. Allele origin: germline.

Labcorp Genetics (formerly Invitae), Labcorp
Classification: Uncertain significance for Emery-Dreifuss muscular dystrophy 4, autosomal dominant; Autosomal recessive ataxia, Beauce type. Last evaluated: 2022-07-19. Review status: criteria provided, single submitter. Criteria: Invitae Variant Classification Sherloc (09022015). Collection method: clinical testing. Allele origin: germline.
Comment: This sequence change replaces threonine, which is neutral and polar, with methionine, which is neutral and non-polar, at codon 732 of the SYNE1 protein (p.Thr732Met). In summary, the available evidence is currently insufficient to determine the role of this variant in disease. Therefore, it has been classified as a Variant of Uncertain Significance. Algorithms developed to predict the effect of missense changes on protein structure and function (SIFT, PolyPhen-2, Align-GVGD) all suggest that this variant is likely to be tolerated. ClinVar contains an entry for this variant (Variation ID: 598683). This variant has not been reported in the literature in individuals affected with SYNE1-related conditions. This variant is present in population databases (rs374866393, gnomAD 0.01%).

Athena Diagnostics
Classification: Uncertain significance. Last evaluated: 2021-07-16. Review status: criteria provided, single submitter. Criteria: Athena Diagnostics Criteria. Collection method: clinical testing. Allele origin: unknown.

Eurofins Ntd Llc (ga)
Classification: Uncertain significance. Last evaluated: 2018-09-13. Review status: criteria provided, single submitter. Criteria: EGL ClinVar v180209 classification definitions. Collection method: clinical testing. Allele origin: germline. Observed: 1 variant allele, 1 heterozygote.

NM_182961.4(SYNE1):c.2174C>T (p.Thr725Met)

Gene: SYNE1 (spectrin repeat containing nuclear envelope protein 1; minus strand). Cytogenetic location: 6q25.2.
Variant type: single nucleotide variant.
Coding change: c.2174C>T on transcript NM_182961.4 (MANE Select); coding-DNA position 2174, C replaced by T.
Protein change: p.Thr725Met; replaces threonine 725 with methionine.
Molecular consequence: missense variant.
Genome position (GRCh38, 1-based): chr6:152,462,814, G>A on the plus strand (C>T on the coding strand, the complement: SYNE1 is on the minus strand). VCF-style: chr6-152462814-G-A. GRCh37 (hg19) VCF-style: chr6-152783949-G-A.
Other names: c.2195C>T, p.Thr732Met (NM_033071.5); short protein forms T725M, T732M.
Identifiers: ClinVar variation 598683 (VCV000598683.15), dbSNP rs374866393, ClinGen allele CA4059204.